The following is an entry in ClinVar:

NM_012213.3(MLYCD):c.948+11C>T

Genes: MLYCD (malonyl-CoA decarboxylase; plus strand), LOC126862422 (CDK7 strongly-dependent group 2 enhancer GRCh37_chr16:83945234-83946433; plus strand). Cytogenetic location: 16q23.3.
Variant type: single nucleotide variant.
Coding change: c.948+11C>T on transcript NM_012213.3 (MANE Select); 11 bases into the intron after coding-DNA position 948, C replaced by T.
Molecular consequence: intron variant.
Genome position (GRCh38, 1-based): chr16:83,912,378, C>T. VCF-style: chr16-83912378-C-T. GRCh37 (hg19) VCF-style: chr16-83945983-C-T.
Identifiers: ClinVar variation 513591 (VCV000513591.4), dbSNP rs568952897, ClinGen allele CA8197441.
Genomic context (GRCh38, chr16:83,912,378, plus strand): 5'-GGGTGGAGCTGGGAACATTCCTCATAAAGCGAGTCGTCAAGGAGTTGCAGGTAAGCGACA[C>T]GCAGGGAGCCCCGGTCACGCTTGGCTTCCGTGTGGTCAGGTCAGCGAACCTCGTGGGGTG-3'

ClinVar aggregate classification (germline): Likely benign. Review status: criteria provided, multiple submitters, no conflicts (2 of 4 stars). 2 submissions from 2 submitters: Likely benign (2). Last evaluated 2025-09-12.

Conditions:
Deficiency of malonyl-CoA decarboxylase. Also called: Malonic aciduria; MCD deficiency. Identifiers: Orphanet 943, MedGen C0342793, MONDO:0009556, OMIM 248360.

Allele frequency attached by ClinVar (database versions not stated): gnomAD exomes 0.00003; ExAC 0.00004; gnomAD 0.00006 and 0.00007; TOPMed 0.00011; 1000 Genomes Project 30x 0.00016; 1000 Genomes Project 0.00020.

Submissions (2):

Labcorp Genetics (formerly Invitae), Labcorp
Classification: Likely benign for Deficiency of malonyl-CoA decarboxylase. Last evaluated: 2025-09-12. Review status: criteria provided, single submitter. Criteria: Invitae Variant Classification Sherloc (09022015). Collection method: clinical testing. Allele origin: germline.

GeneDx
Classification: Likely benign. Last evaluated: 2017-11-20. Review status: criteria provided, single submitter. Criteria: GeneDx Variant Classification (06012015). Collection method: clinical testing. Allele origin: germline. Affected: yes.
Comment: This variant is considered likely benign or benign based on one or more of the following criteria: it is a conservative change, it occurs at a poorly conserved position in the protein, it is predicted to be benign by multiple in silico algorithms, and/or has population frequency not consistent with disease.